The following is an entry in ClinVar:

NM_138694.4(PKHD1):c.8090G>C (p.Arg2697Thr)

Gene: PKHD1 (PKHD1 ciliary IPT domain containing fibrocystin/polyductin; minus strand). Cytogenetic location: 6p12.2.
Variant type: single nucleotide variant.
Coding change: c.8090G>C on transcript NM_138694.4 (MANE Select); coding-DNA position 8090, G replaced by C.
Protein change: p.Arg2697Thr; replaces arginine 2697 with threonine.
Molecular consequence: missense variant.
Genome position (GRCh38, 1-based): chr6:51,847,792, C>G on the plus strand (G>C on the coding strand, the complement: PKHD1 is on the minus strand). VCF-style: chr6-51847792-C-G. GRCh37 (hg19) VCF-style: chr6-51712590-C-G.
Other names: c.8090G>C, p.Arg2697Thr (NM_170724.3); short protein forms R2697T.
Identifiers: ClinVar variation 2168521 (VCV002168521.1), dbSNP rs794727747, ClinGen allele CA364429039.

ClinVar aggregate classification (germline): Uncertain significance (1 of 4 stars; one submission).

Conditions:
Autosomal recessive polycystic kidney disease (ARPKD). Also called: AR polycystic kidney disease. Identifiers: Orphanet 731, Orphanet 8378, MedGen C0085548, MeSH D017044, MONDO:0009889.

Submission:

Labcorp Genetics (formerly Invitae), Labcorp
Classification: Uncertain significance for Autosomal recessive polycystic kidney disease. Last evaluated: 2022-05-15. Review status: criteria provided, single submitter. Criteria: Invitae Variant Classification Sherloc (09022015). Collection method: clinical testing. Allele origin: germline.
Comment: This sequence change replaces arginine, which is basic and polar, with threonine, which is neutral and polar, at codon 2697 of the PKHD1 protein (p.Arg2697Thr). This variant is not present in population databases (gnomAD no frequency). This variant has not been reported in the literature in individuals affected with PKHD1-related conditions. Algorithms developed to predict the effect of missense changes on protein structure and function are either unavailable or do not agree on the potential impact of this missense change (SIFT: "Tolerated"; PolyPhen-2: "Possibly Damaging"; Align-GVGD: "Class C0"). In summary, the available evidence is currently insufficient to determine the role of this variant in disease. Therefore, it has been classified as a Variant of Uncertain Significance.